The following is an entry in ClinVar:

ClinVar aggregate classification (germline): Uncertain significance (1 of 4 stars; one submission).

Conditions:
RASopathy. Also called: rasopathies; Noonan spectrum disorder. Identifiers: Orphanet 536391, MedGen C5555857, MONDO:0021060.

Submission:

Labcorp Genetics (formerly Invitae), Labcorp
Classification: Uncertain significance for RASopathy. Last evaluated: 2025-09-23. Review status: criteria provided, single submitter. Criteria: Invitae Variant Classification Sherloc (09022015). Collection method: clinical testing. Allele origin: germline.
Comment: This sequence change replaces arginine, which is basic and polar, with lysine, which is basic and polar, at codon 377 of the SHOC2 protein (p.Arg377Lys). This variant is not present in population databases (gnomAD no frequency). This variant has not been reported in the literature in individuals affected with SHOC2-related conditions. ClinVar contains an entry for this variant (Variation ID: 2996187). Invitae Evidence Modeling of protein sequence and biophysical properties (such as structural, functional, and spatial information, amino acid conservation, physicochemical variation, residue mobility, and thermodynamic stability) indicates that this missense variant is not expected to disrupt SHOC2 protein function with a negative predictive value of 80%. In summary, the available evidence is currently insufficient to determine the role of this variant in disease. Therefore, it has been classified as a Variant of Uncertain Significance.

NM_007373.4(SHOC2):c.1130G>A (p.Arg377Lys)

Gene: SHOC2 (SHOC2 leucine rich repeat scaffold protein; plus strand). Cytogenetic location: 10q25.2.
Variant type: single nucleotide variant.
Coding change: c.1130G>A on transcript NM_007373.4 (MANE Select); coding-DNA position 1130, G replaced by A.
Protein change: p.Arg377Lys; replaces arginine 377 with lysine.
Molecular consequence: missense variant. On other transcripts: non-coding transcript variant (1).
Genome position (GRCh38, 1-based): chr10:111,004,763, G>A. VCF-style: chr10-111004763-G-A. GRCh37 (hg19) VCF-style: chr10-112764521-G-A.
Other names: c.992G>A, p.Arg331Lys (NM_001269039.3); c.1130G>A, p.Arg377Lys (NM_001324336.2, NM_001324337.2); short protein forms R377K, R331K.
Identifiers: ClinVar variation 2996187 (VCV002996187.3), dbSNP rs2493945838, ClinGen allele CA378523208.